The following is an entry in ClinVar:

NM_139075.4(TPCN2):c.1762-5G>T

Gene: TPCN2 (two pore segment channel 2; plus strand). Cytogenetic location: 11q13.3.
Variant type: single nucleotide variant.
Coding change: c.1762-5G>T on transcript NM_139075.4 (MANE Select); 5 bases into the intron before coding-DNA position 1762, G replaced by T.
Molecular consequence: intron variant.
Genome position (GRCh38, 1-based): chr11:69,085,205, G>T. VCF-style: chr11-69085205-G-T. GRCh37 (hg19) VCF-style: chr11-68852673-G-T.
Identifiers: ClinVar variation 4534358 (VCV004534358.6).

ClinVar aggregate classification (germline): Uncertain significance (1 of 4 stars; one submission).

gnomAD v4.1: 59 of 1,613,932 alleles (0.0037%); highest among the groups gnomAD compares: African/African-American, 0.064%; no homozygotes.

Submission:

CeGaT Center for Human Genetics Tuebingen
Classification: Uncertain significance. Last evaluated: 2025-10-01. Review status: criteria provided, single submitter. Criteria: CeGaT Center For Human Genetics Tuebingen Variant Classification Criteria Version 2. Collection method: clinical testing. Allele origin: germline. Affected: yes. Observed: 1 variant allele.
Comment: TPCN2: PM2, BP4